The following is an entry in ClinVar:

ClinVar aggregate classification (germline): Uncertain significance. Review status: criteria provided, multiple submitters, no conflicts (2 of 4 stars). 2 submissions from 2 submitters: Uncertain significance (2). Last evaluated 2024-08-26.

Submissions (2):

Blueprint Genetics
Classification: Uncertain significance. Last evaluated: 2024-08-26. Review status: criteria provided, single submitter. Criteria: ACMG Guidelines, 2015. Collection method: clinical testing. Allele origin: germline.

Labcorp Genetics (formerly Invitae), Labcorp
Classification: Uncertain significance. Last evaluated: 2023-12-13. Review status: criteria provided, single submitter. Criteria: Invitae Variant Classification Sherloc (09022015). Collection method: clinical testing. Allele origin: germline.
Comment: This sequence change replaces proline, which is neutral and non-polar, with arginine, which is basic and polar, at codon 557 of the POLE protein (p.Pro557Arg). This variant is not present in population databases (gnomAD no frequency). This variant has not been reported in the literature in individuals affected with POLE-related conditions. Advanced modeling of protein sequence and biophysical properties (such as structural, functional, and spatial information, amino acid conservation, physicochemical variation, residue mobility, and thermodynamic stability) performed at Invitae indicates that this missense variant is expected to disrupt POLE protein function with a positive predictive value of 80%. In summary, the available evidence is currently insufficient to determine the role of this variant in disease. Therefore, it has been classified as a Variant of Uncertain Significance.

NM_006231.4(POLE):c.1670C>G (p.Pro557Arg)

Gene: POLE (DNA polymerase epsilon, catalytic subunit; minus strand). Cytogenetic location: 12q24.33.
Variant type: single nucleotide variant.
Coding change: c.1670C>G on transcript NM_006231.4 (MANE Select); coding-DNA position 1670, C replaced by G.
Protein change: p.Pro557Arg; replaces proline 557 with arginine.
Molecular consequence: missense variant.
Genome position (GRCh38, 1-based): chr12:132,672,643, G>C on the plus strand (C>G on the coding strand, the complement: POLE is on the minus strand). VCF-style: chr12-132672643-G-C. GRCh37 (hg19) VCF-style: chr12-133249229-G-C.
Other names: short protein forms P557R.
Identifiers: ClinVar variation 2702674 (VCV002702674.4), dbSNP rs2542133671, ClinGen allele CA387356475.